The following is an entry in ClinVar:

ClinVar aggregate classification (germline): Uncertain significance. Review status: criteria provided, multiple submitters, no conflicts (2 of 4 stars). 2 submissions from 2 submitters: Uncertain significance (2). Last evaluated 2022-06-08.

Allele frequency attached by ClinVar (database versions not stated): gnomAD 0.00001; TOPMed 0.00001.
gnomAD v4.1: 2 of 1,613,586 alleles (0.00012%); highest among the groups gnomAD compares: Non-Finnish European, 0.00017%; no homozygotes.

Submissions (2):

Labcorp Genetics (formerly Invitae), Labcorp
Classification: Uncertain significance. Last evaluated: 2022-06-08. Review status: criteria provided, single submitter. Criteria: Invitae Variant Classification Sherloc (09022015). Collection method: clinical testing. Allele origin: germline.
Comment: This sequence change replaces proline, which is neutral and non-polar, with alanine, which is neutral and non-polar, at codon 563 of the MME protein (p.Pro563Ala). This variant is not present in population databases (gnomAD no frequency). This variant has not been reported in the literature in individuals affected with MME-related conditions. ClinVar contains an entry for this variant (Variation ID: 1312199). Algorithms developed to predict the effect of missense changes on protein structure and function are either unavailable or do not agree on the potential impact of this missense change (SIFT: "Tolerated"; PolyPhen-2: "Probably Damaging"; Align-GVGD: "Class C0"). In summary, the available evidence is currently insufficient to determine the role of this variant in disease. Therefore, it has been classified as a Variant of Uncertain Significance.

GeneDx
Classification: Uncertain significance. Last evaluated: 2019-09-17. Review status: criteria provided, single submitter. Criteria: GeneDx Variant Classification Process June 2021. Collection method: clinical testing. Allele origin: germline. Affected: yes.
Comment: Not observed in large population cohorts (Lek et al., 2016); In silico analysis, which includes protein predictors and evolutionary conservation, supports a deleterious effect; Has not been previously published as pathogenic or benign to our knowledge

NM_007289.4(MME):c.1687C>G (p.Pro563Ala)

Gene: MME (membrane metalloendopeptidase; plus strand). Cytogenetic location: 3q25.2.
Variant type: single nucleotide variant.
Coding change: c.1687C>G on transcript NM_007289.4 (MANE Select); coding-DNA position 1687, C replaced by G.
Protein change: p.Pro563Ala; replaces proline 563 with alanine.
Molecular consequence: missense variant.
Genome position (GRCh38, 1-based): chr3:155,166,928, C>G. VCF-style: chr3-155166928-C-G. GRCh37 (hg19) VCF-style: chr3-154884717-C-G.
Other names: c.1687C>G, p.Pro563Ala (NM_000902.5, NM_001354642.2, NM_001354643.1 and 2 more transcripts); short protein forms P563A.
Identifiers: ClinVar variation 1312199 (VCV001312199.4), dbSNP rs1218393299, ClinGen allele CA355218146.